The following is an entry in ClinVar:

NM_030662.4(MAP2K2):c.293T>C (p.Met98Thr)

Gene: MAP2K2 (mitogen-activated protein kinase kinase 2; minus strand). Cytogenetic location: 19p13.3.
Variant type: single nucleotide variant.
Coding change: c.293T>C on transcript NM_030662.4 (MANE Select); coding-DNA position 293, T replaced by C.
Protein change: p.Met98Thr; replaces methionine 98 with threonine.
Molecular consequence: missense variant.
Genome position (GRCh38, 1-based): chr19:4,117,429, A>G on the plus strand (T>C on the coding strand, the complement: MAP2K2 is on the minus strand). VCF-style: chr19-4117429-A-G. GRCh37 (hg19) VCF-style: chr19-4117427-A-G.
Other names: c.293T>C, p.Met98Thr (NM_001440688.1); short protein forms M98T.
Identifiers: ClinVar variation 4802529 (VCV004802529.1).

ClinVar aggregate classification (germline): Uncertain significance (1 of 4 stars; one submission).

Conditions:
RASopathy. Also called: rasopathies; Noonan spectrum disorder. Identifiers: Orphanet 536391, MedGen C5555857, MONDO:0021060.

Submission:

Labcorp Genetics (formerly Invitae), Labcorp
Classification: Uncertain significance for RASopathy. Last evaluated: 2025-10-29. Review status: criteria provided, single submitter. Criteria: Invitae Variant Classification Sherloc (09022015). Collection method: clinical testing. Allele origin: germline.
Comment: This sequence change replaces methionine, which is neutral and non-polar, with threonine, which is neutral and polar, at codon 98 of the MAP2K2 protein (p.Met98Thr). This variant is not present in population databases (gnomAD no frequency). This variant has not been reported in the literature in individuals affected with MAP2K2-related conditions. Invitae Evidence Modeling of protein sequence and biophysical properties (such as structural, functional, and spatial information, amino acid conservation, physicochemical variation, residue mobility, and thermodynamic stability) has been performed for this missense variant. However, the output from this modeling did not meet the statistical confidence thresholds required to predict the impact of this variant on MAP2K2 protein function. In summary, the available evidence is currently insufficient to determine the role of this variant in disease. Therefore, it has been classified as a Variant of Uncertain Significance.